The following is an entry in ClinVar:

NM_024741.3(ZNF408):c.892G>T (p.Gly298Cys)

Gene: ZNF408 (zinc finger protein 408; plus strand). Cytogenetic location: 11p11.2.
Variant type: single nucleotide variant.
Coding change: c.892G>T on transcript NM_024741.3 (MANE Select); coding-DNA position 892, G replaced by T.
Protein change: p.Gly298Cys; replaces glycine 298 with cysteine.
Molecular consequence: missense variant.
Genome position (GRCh38, 1-based): chr11:46,704,592, G>T. VCF-style: chr11-46704592-G-T. GRCh37 (hg19) VCF-style: chr11-46726142-G-T.
Other names: c.868G>T, p.Gly290Cys (NM_001184751.2); short protein forms G290C, G298C.
Identifiers: ClinVar variation 3671886 (VCV003671886.2).

ClinVar aggregate classification (germline): Uncertain significance (1 of 4 stars; one submission).

gnomAD v4.1: 32 of 1,613,744 alleles (0.002%); highest among the groups gnomAD compares: Non-Finnish European, 0.0027%; no homozygotes.

Submission:

Labcorp Genetics (formerly Invitae), Labcorp
Classification: Uncertain significance. Last evaluated: 2024-02-27. Review status: criteria provided, single submitter. Criteria: Invitae Variant Classification Sherloc (09022015). Collection method: clinical testing. Allele origin: germline.
Comment: This sequence change replaces glycine, which is neutral and non-polar, with cysteine, which is neutral and slightly polar, at codon 298 of the ZNF408 protein (p.Gly298Cys). This variant is not present in population databases (gnomAD no frequency). This variant has not been reported in the literature in individuals affected with ZNF408-related conditions. An algorithm developed to predict the effect of missense changes on protein structure and function (PolyPhen-2) suggests that this variant is likely to be disruptive. In summary, the available evidence is currently insufficient to determine the role of this variant in disease. Therefore, it has been classified as a Variant of Uncertain Significance.